The following is an entry in ClinVar:

NM_032043.3(BRIP1):c.2177A>G (p.Glu726Gly)

Gene: BRIP1 (BRCA1 interacting DNA helicase 1; minus strand). Cytogenetic location: 17q23.2.
Variant type: single nucleotide variant.
Coding change: c.2177A>G on transcript NM_032043.3 (MANE Select); coding-DNA position 2177, A replaced by G.
Protein change: p.Glu726Gly; replaces glutamic acid 726 with glycine.
Molecular consequence: missense variant.
Genome position (GRCh38, 1-based): chr17:61,744,512, T>C on the plus strand (A>G on the coding strand, the complement: BRIP1 is on the minus strand). VCF-style: chr17-61744512-T-C. GRCh37 (hg19) VCF-style: chr17-59821873-T-C.
Other names: short protein forms E726G.
Identifiers: ClinVar variation 2680316 (VCV002680316.2), dbSNP rs2544837572, ClinGen allele CA400483092.

ClinVar aggregate classification (germline): Uncertain significance. Review status: criteria provided, multiple submitters, no conflicts (2 of 4 stars). 2 submissions from 2 submitters: Uncertain significance (2). Last evaluated 2025-02-06.

Conditions:
Familial cancer of breast. Also called: hereditary breast carcinoma; BREAST CANCER, FAMILIAL; Hereditary breast cancer. Identifiers: Orphanet 227535, MedGen C0346153, MONDO:0016419, OMIM 114480. Disease mechanism: loss of function.
Fanconi anemia complementation group J. Also called: BRIP1-Related Fanconi Anemia. Identifiers: Orphanet 84, MedGen C1836860, MONDO:0012187, OMIM 609054.

Submissions (2):

Labcorp Genetics (formerly Invitae), Labcorp
Classification: Uncertain significance for Familial cancer of breast; Fanconi anemia complementation group J. Last evaluated: 2025-02-06. Review status: criteria provided, single submitter. Criteria: Invitae Variant Classification Sherloc (09022015). Collection method: clinical testing. Allele origin: germline.
Comment: This sequence change replaces glutamic acid, which is acidic and polar, with glycine, which is neutral and non-polar, at codon 726 of the BRIP1 protein (p.Glu726Gly). This variant is not present in population databases (gnomAD no frequency). This variant has not been reported in the literature in individuals affected with BRIP1-related conditions. ClinVar contains an entry for this variant (Variation ID: 2680316). Invitae Evidence Modeling of protein sequence and biophysical properties (such as structural, functional, and spatial information, amino acid conservation, physicochemical variation, residue mobility, and thermodynamic stability) indicates that this missense variant is expected to disrupt BRIP1 protein function with a positive predictive value of 95%. In summary, the available evidence is currently insufficient to determine the role of this variant in disease. Therefore, it has been classified as a Variant of Uncertain Significance.

Baylor Genetics
Classification: Uncertain significance for Familial cancer of breast. Last evaluated: 2023-10-09. Review status: criteria provided, single submitter. Criteria: ACMG Guidelines, 2015. Collection method: clinical testing. Allele origin: unknown.